The following is an entry in ClinVar:

ClinVar aggregate classification (germline): Uncertain significance. Review status: criteria provided, multiple submitters, no conflicts (2 of 4 stars). 2 submissions from 2 submitters: Uncertain significance (2). Last evaluated 2025-12-04.

Conditions:
Inborn genetic diseases. Identifiers: MedGen C0950123, MeSH D030342.

Allele frequency attached by ClinVar (database versions not stated): gnomAD exomes below 0.00001.
gnomAD v4.1: 5 of 1,613,848 alleles (0.00031%); highest among the groups gnomAD compares: Non-Finnish European, 0.00042%; no homozygotes.

Submissions (2):

Ambry Genetics
Classification: Uncertain significance for Inborn genetic diseases. Last evaluated: 2025-12-04. Review status: criteria provided, single submitter. Criteria: Ambry Variant Classification Scheme 2023. Collection method: clinical testing. Allele origin: germline.
Comment: The c.559C>T (p.L187F) alteration is located in exon 6 (coding exon 4) of the ANKRD11 gene. This alteration results from a C to T substitution at nucleotide position 559, causing the leucine (L) at amino acid position 187 to be replaced by a phenylalanine (F). Based on data from gnomAD, the T allele has an overall frequency of <0.001% (1/251008) total alleles studied. The highest observed frequency was 0.001% (1/113518) of European (non-Finnish) alleles. Based on insufficient or conflicting evidence, the clinical significance of this alteration remains unclear.

CeGaT Center for Human Genetics Tuebingen
Classification: Uncertain significance. Last evaluated: 2023-08-01. Review status: criteria provided, single submitter. Criteria: CeGaT Center For Human Genetics Tuebingen Variant Classification Criteria Version 2. Collection method: clinical testing. Allele origin: germline. Affected: yes. Observed: 1 variant allele.
Comment: ANKRD11: PM2, PP3

NM_013275.6(ANKRD11):c.559C>T (p.Leu187Phe)

Gene: ANKRD11 (ankyrin repeat domain 11; minus strand). Cytogenetic location: 16q24.3.
Variant type: single nucleotide variant.
Coding change: c.559C>T on transcript NM_013275.6 (MANE Select); coding-DNA position 559, C replaced by T.
Protein change: p.Leu187Phe; replaces leucine 187 with phenylalanine.
Molecular consequence: missense variant. On other transcripts: non-coding transcript variant (1).
Genome position (GRCh38, 1-based): chr16:89,290,667, G>A on the plus strand (C>T on the coding strand, the complement: ANKRD11 is on the minus strand). VCF-style: chr16-89290667-G-A. GRCh37 (hg19) VCF-style: chr16-89357075-G-A.
Other names: c.559C>T, p.Leu187Phe (NM_001256182.2, NM_001256183.2); c.559C>T (NM_013275.4); short protein forms L187F.
Identifiers: ClinVar variation 2647098 (VCV002647098.24), dbSNP rs1299510729, ClinGen allele CA397167197.